The following is an entry in ClinVar:

NC_000003.11:g.(?_142272059)_(142275427_?)del

Gene: ATR (ATR serine/threonine kinase; minus strand). Cytogenetic location: 3q23.
Variant type: Deletion.
Identifiers: ClinVar variation 1072974 (VCV001072974.5).

ClinVar aggregate classification (germline): Pathogenic (1 of 4 stars; one submission).

Submission:

Labcorp Genetics (formerly Invitae), Labcorp
Classification: Pathogenic. Last evaluated: 2020-03-19. Review status: criteria provided, single submitter. Criteria: Invitae Variant Classification Sherloc (09022015). Collection method: clinical testing. Allele origin: germline.
Comment: For these reasons, this variant has been classified as Pathogenic. Loss-of-function variants in ATR are known to be pathogenic (PMID: 21228398, 23144622). This variant has not been reported in the literature in individuals with ATR-related conditions. This variant is an out-of-frame deletion of the genomic region encompassing exon(s) 9-13 of the ATR gene. This is expected to create a premature translational stop signal and result in an absent or disrupted protein product.

Literature cited by the submitters: PubMed 21228398; PubMed 23144622.